The following is an entry in ClinVar:

ClinVar aggregate classification (germline): Likely benign (1 of 4 stars; one submission).

Conditions:
VPS13B-related disorder. Also called: VPS13B-related condition.

gnomAD v4.1: 2 of 1,613,826 alleles (0.00012%); highest among the groups gnomAD compares: Non-Finnish European, 0.00017%; no homozygotes.

Submission:

PreventionGenetics, part of Exact Sciences
Classification: Likely benign for VPS13B-related condition. Last evaluated: 2025-03-13. Review status: criteria provided, single submitter. Criteria: ACMG Guidelines, 2015. Collection method: clinical testing. Allele origin: germline.
Comment: This variant is classified as likely benign based on ACMG/AMP sequence variant interpretation guidelines (Richards et al. 2015 PMID: 25741868, with internal and published modifications).

NM_152564.5(VPS13B):c.5034C>T (p.Val1678=)

Gene: VPS13B (vacuolar protein sorting 13 homolog B; plus strand). Cytogenetic location: 8q22.2.
Variant type: single nucleotide variant.
Coding change: c.5034C>T on transcript NM_152564.5 (MANE Select); coding-DNA position 5034, C replaced by T.
Protein change: p.Val1678=; no amino-acid change (valine 1678 retained).
Molecular consequence: synonymous variant.
Genome position (GRCh38, 1-based): chr8:99,575,742, C>T. VCF-style: chr8-99575742-C-T. GRCh37 (hg19) VCF-style: chr8-100587970-C-T.
Other names: c.5109C>T, p.Val1703= (NM_017890.5).
Identifiers: ClinVar variation 4997908 (VCV004997908.1).